The following is an entry in ClinVar:

NM_020457.3(THAP11):c.392_393insACAGCAGCA (p.Gln132_Ser133insGlnGlnGln)

Genes: CENPT (centromere protein T; minus strand), THAP11 (THAP domain containing 11; plus strand). Cytogenetic location: 16q22.1.
Variant type: Microsatellite.
Coding change: c.392_393insACAGCAGCA on transcript NM_020457.3 (MANE Select); coding-DNA positions 392 to 393, ACAGCAGCA inserted.
Protein change: p.Gln132_Ser133insGlnGlnGln.
Molecular consequence: inframe insertion. On other transcripts: intron variant (1).
Genome position: GRCh38 VCF-style: chr16-67842938-G-GCAGCAGCAA. GRCh37 (hg19) VCF-style: chr16-67876841-G-GCAGCAGCAA.
Other names: c.-492+4462_-492+4463insTGCTGCTGT (NM_025082.4).
Identifiers: ClinVar variation 2990874 (VCV002990874.3), dbSNP rs759901496.

ClinVar aggregate classification (germline): Uncertain significance (1 of 4 stars; one submission).

Submission:

Labcorp Genetics (formerly Invitae), Labcorp
Classification: Uncertain significance. Last evaluated: 2023-06-30. Review status: criteria provided, single submitter. Criteria: Invitae Variant Classification Sherloc (09022015). Collection method: clinical testing. Allele origin: germline.
Comment: In summary, the available evidence is currently insufficient to determine the role of this variant in disease. Therefore, it has been classified as a Variant of Uncertain Significance. This variant has not been reported in the literature in individuals affected with THAP11-related conditions. The frequency data for this variant in the population databases is considered unreliable, as metrics indicate poor data quality at this position in the gnomAD database. This variant, c.392_393insACAGCAGCA, results in the insertion of 3 amino acid(s) of the THAP11 protein (p.Gln130_Gln132dup), but otherwise preserves the integrity of the reading frame.